The following is an entry in ClinVar:

NM_001292063.2(OTOG):c.2098G>A (p.Ala700Thr)

Gene: OTOG (otogelin; plus strand). Cytogenetic location: 11p15.1.
Variant type: single nucleotide variant.
Coding change: c.2098G>A on transcript NM_001292063.2 (MANE Select); coding-DNA position 2098, G replaced by A.
Protein change: p.Ala700Thr; replaces alanine 700 with threonine.
Molecular consequence: missense variant.
Genome position (GRCh38, 1-based): chr11:17,573,095, G>A. VCF-style: chr11-17573095-G-A. GRCh37 (hg19) VCF-style: chr11-17594642-G-A.
Other names: c.2134G>A, p.Ala712Thr (NM_001277269.2); short protein forms A712T, A700T.
Identifiers: ClinVar variation 227766 (VCV000227766.35), dbSNP rs113745835, ClinGen allele CA5905580.
Genomic context (GRCh38, chr11:17,573,095, plus strand): 5'-ACCGACTCCCCTGACTGCCTGGCTCCTGTTCTTCCTTCCCCAGCCTCCTACTCAGTGCAG[G>A]CCTGCAGCGTGCTCACGGGGGAGATGTTTGCGCCCTGCTCTGCGTTCCTGAGCCCCGTGC-3'
Protein context (NP_001278992.1, residues 690-710): HLQAASYSVQ[Ala700Thr]CSVLTGEMFA

ClinVar aggregate classification (germline): Benign/Likely benign. Review status: criteria provided, multiple submitters, no conflicts (2 of 4 stars). 7 submissions from 7 submitters: Benign (4); Likely benign (3). Last evaluated 2025-09-17.

Allele frequency attached by ClinVar (database versions not stated): gnomAD exomes 0.00043 and 0.00113; ExAC 0.00127; gnomAD 0.00439 and 0.00467; 1000 Genomes Project 0.00479; TOPMed 0.00495; 1000 Genomes Project 30x 0.00547.
gnomAD v4.1: 1,342 of 1,548,268 alleles (0.087%); highest among the groups gnomAD compares: African/African-American, 1.4%; 13 homozygotes.

Submissions (7):

Labcorp Genetics (formerly Invitae), Labcorp
Classification: Benign. Last evaluated: 2025-09-17. Review status: criteria provided, single submitter. Criteria: Invitae Variant Classification Sherloc (09022015). Collection method: clinical testing. Allele origin: germline.

Blueprint Genetics
Classification: Likely benign. Last evaluated: 2024-11-27. Review status: criteria provided, single submitter. Criteria: ACMG Guidelines, 2015. Collection method: clinical testing. Allele origin: germline.

CeGaT Center for Human Genetics Tuebingen
Classification: Benign. Last evaluated: 2024-08-01. Review status: criteria provided, single submitter. Criteria: CeGaT Center For Human Genetics Tuebingen Variant Classification Criteria Version 2. Collection method: clinical testing. Allele origin: germline. Affected: yes. Observed: 1 variant allele.
Comment: OTOG: BP4, BS1, BS2

GeneDx
Classification: Benign. Last evaluated: 2019-02-05. Review status: criteria provided, single submitter. Criteria: GeneDx Variant Classification Process June 2021. Collection method: clinical testing. Allele origin: germline. Affected: yes.

Athena Diagnostics
Classification: Benign. Last evaluated: 2018-11-12. Review status: criteria provided, single submitter. Criteria: Athena Diagnostics Criteria. Collection method: clinical testing. Allele origin: germline.

Laboratory for Molecular Medicine, Mass General Brigham Personalized Medicine
Classification: Likely benign. Last evaluated: 2015-07-21. Review status: criteria provided, single submitter. Criteria: LMM Criteria. Collection method: clinical testing. Allele origin: germline. Observed: 3 variant alleles.
Comment: p.Ala712Thr in exon 18 of OTOG: This variant is not expected to have clinical si gnificance because it has been identified in 1.6% (15/918) of African chromosome s by the Exome Aggregation Consortium (ExAC; dbS NP rs113745835).

Breakthrough Genomics
Classification: Likely benign. Review status: criteria provided, single submitter. Criteria: ACMG Guidelines, 2015. Collection method: not provided. Allele origin: germline. Inheritance: Autosomal recessive inheritance. Affected: yes.